The following is an entry in ClinVar:

ClinVar aggregate classification (germline): Benign (1 of 4 stars; one submission).

Allele frequency attached by ClinVar (database versions not stated): ExAC 0.66828; 1000 Genomes Project 0.68211; 1000 Genomes Project 30x 0.68738; gnomAD exomes 0.69089; gnomAD 0.71741; ESP Exome Variant Server 0.72323; TOPMed 0.72367.

Submission:

Unidad de Genómica Garrahan, Hospital de Pediatría Garrahan
Classification: Benign. Last evaluated: 2024-01-24. Review status: criteria provided, single submitter. Criteria: ACMG Guidelines, 2015. Collection method: clinical testing. Allele origin: germline. Affected: no. Observed: 85 variant alleles.
Comment: This variant is classified as Benign based on local population frequency. This variant was detected in 89% of patients studied by a panel of primary immunodeficiencies. Number of patients: 85. Only high quality variants are reported.

NM_016216.4(DBR1):c.796-41C>A

Gene: DBR1 (debranching RNA lariats 1; minus strand). Cytogenetic location: 3q22.3.
Variant type: single nucleotide variant.
Coding change: c.796-41C>A on transcript NM_016216.4 (MANE Select); 41 bases into the intron before coding-DNA position 796, C replaced by A.
Molecular consequence: intron variant.
Genome position (GRCh38, 1-based): chr3:138,163,535, G>T on the plus strand (C>A on the coding strand, the complement: DBR1 is on the minus strand). VCF-style: chr3-138163535-G-T. GRCh37 (hg19) VCF-style: chr3-137882377-G-T.
Identifiers: ClinVar variation 2687948 (VCV002687948.2), dbSNP rs2622734, ClinGen allele CA2635781.